The following is an entry in ClinVar:

NM_020401.4(NUP107):c.1403C>G (p.Ser468Ter)

Gene: NUP107 (nucleoporin 107; plus strand). Cytogenetic location: 12q15.
Variant type: single nucleotide variant.
Coding change: c.1403C>G on transcript NM_020401.4 (MANE Select); coding-DNA position 1403, C replaced by G.
Protein change: p.Ser468Ter; replaces serine 468 with a stop codon.
Molecular consequence: nonsense.
Genome position (GRCh38, 1-based): chr12:68,721,932, C>G. VCF-style: chr12-68721932-C-G. GRCh37 (hg19) VCF-style: chr12-69115712-C-G.
Other names: c.1316C>G, p.Ser439Ter (NM_001330192.2); short protein forms S468*, S439*.
Identifiers: ClinVar variation 3635371 (VCV003635371.2).

ClinVar aggregate classification (germline): Pathogenic (1 of 4 stars; one submission).

gnomAD v4.1: 8 of 1,613,854 alleles (0.0005%); highest among the groups gnomAD compares: Non-Finnish European, 0.00068%; no homozygotes.

Submission:

Labcorp Genetics (formerly Invitae), Labcorp
Classification: Pathogenic. Last evaluated: 2025-01-12. Review status: criteria provided, single submitter. Criteria: Invitae Variant Classification Sherloc (09022015). Collection method: clinical testing. Allele origin: germline.
Comment: This sequence change creates a premature translational stop signal (p.Ser468*) in the NUP107 gene. It is expected to result in an absent or disrupted protein product. Loss-of-function variants in NUP107 are known to be pathogenic (PMID: 27190346). This variant is present in population databases (no rsID available, gnomAD 0.002%). This variant has not been reported in the literature in individuals affected with NUP107-related conditions. For these reasons, this variant has been classified as Pathogenic.

Literature cited by the submitters: PubMed 27190346.